The following is an entry in ClinVar:

NM_001164665.2(KIAA1549):c.1147C>G (p.Leu383Val)

Gene: KIAA1549 (KIAA1549; minus strand). Cytogenetic location: 7q34.
Variant type: single nucleotide variant.
Coding change: c.1147C>G on transcript NM_001164665.2 (MANE Select); coding-DNA position 1147, C replaced by G.
Protein change: p.Leu383Val; replaces leucine 383 with valine.
Molecular consequence: missense variant.
Genome position (GRCh38, 1-based): chr7:138,918,479, G>C on the plus strand (C>G on the coding strand, the complement: KIAA1549 is on the minus strand). VCF-style: chr7-138918479-G-C. GRCh37 (hg19) VCF-style: chr7-138603225-G-C.
Other names: c.1147C>G, p.Leu383Val (NM_020910.3); short protein forms L383V.
Identifiers: ClinVar variation 2847493 (VCV002847493.3), dbSNP rs2485559979, ClinGen allele CA369399605.

ClinVar aggregate classification (germline): Uncertain significance (1 of 4 stars; one submission).

Submission:

Labcorp Genetics (formerly Invitae), Labcorp
Classification: Uncertain significance. Last evaluated: 2023-03-19. Review status: criteria provided, single submitter. Criteria: Invitae Variant Classification Sherloc (09022015). Collection method: clinical testing. Allele origin: germline.
Comment: An algorithm developed to predict the effect of missense changes on protein structure and function (PolyPhen-2) suggests that this variant is likely to be tolerated. In summary, the available evidence is currently insufficient to determine the role of this variant in disease. Therefore, it has been classified as a Variant of Uncertain Significance. This variant has not been reported in the literature in individuals affected with KIAA1549-related conditions. This variant is not present in population databases (gnomAD no frequency). This sequence change replaces leucine, which is neutral and non-polar, with valine, which is neutral and non-polar, at codon 383 of the KIAA1549 protein (p.Leu383Val).